The following is an entry in ClinVar:

NM_206933.4(USH2A):c.5266G>A (p.Val1756Ile)

Genes: USH2A (usherin; minus strand), USH2A-AS2 (USH2A antisense RNA 2; plus strand). Cytogenetic location: 1q41.
Variant type: single nucleotide variant.
Coding change: c.5266G>A on transcript NM_206933.4 (MANE Select); coding-DNA position 5266, G replaced by A.
Protein change: p.Val1756Ile; replaces valine 1756 with isoleucine.
Molecular consequence: missense variant.
Genome position (GRCh38, 1-based): chr1:216,083,488, C>T on the plus strand (G>A on the coding strand, the complement: USH2A is on the minus strand). VCF-style: chr1-216083488-C-T. GRCh37 (hg19) VCF-style: chr1-216256830-C-T.
Other names: short protein forms V1756I.
Identifiers: ClinVar variation 972239 (VCV000972239.53), dbSNP rs143208990, ClinGen allele CA1395495.

ClinVar aggregate classification (germline): Conflicting classifications of pathogenicity. Review status: criteria provided, conflicting classifications (1 of 4 stars). 6 submissions from 6 submitters: Uncertain significance (5); Likely benign (1). Last evaluated 2026-05-14.

Conditions:
USH2A-related disorder. Also called: USH2A-related disorders; USH2A-related condition. Identifiers: MedGen CN239332.
Usher syndrome type 2A. Also called: RETINAL DISEASE IN USHER SYNDROME TYPE IIA, MODIFIER OF; USHER SYNDROME, TYPE IIA. Identifiers: Orphanet 231178, Orphanet 886, MedGen C1848634, MONDO:0010169, OMIM 276901.

Allele frequency attached by ClinVar (database versions not stated): ESP Exome Variant Server 0.00008; 1000 Genomes Project 30x 0.00016; gnomAD 0.00018 and 0.00019; 1000 Genomes Project 0.00020; TOPMed 0.00020.

Submissions (6):

PreventionGenetics, part of Exact Sciences
Classification: Uncertain significance for USH2A-related condition. Last evaluated: 2026-05-14. Review status: criteria provided, single submitter. Criteria: ACMG Guidelines, 2015. Collection method: clinical testing. Allele origin: germline.
Comment: The USH2A c.5266G>A variant is predicted to result in the amino acid substitution p.Val1756Ile. This variant was reported, along with a second missense variant in the same gene, in an individual with retinitis pigmentosa (Qu et al. 2020. PubMed ID: 31904091). This variant was also reported, without a second variant present, in the heterozygous state in an individual with retinal disease (Table S2, Zhu et al. 2020. PubMed ID: 32675063). This variant is reported in 0.075% of alleles in individuals of East Asian descent in gnomAD. Although we suspect that this variant may be benign, its clinical significance is classified as uncertain due to the absence of conclusive functional and genetic evidence.

Labcorp Genetics (formerly Invitae), Labcorp
Classification: Likely benign. Last evaluated: 2026-01-06. Review status: criteria provided, single submitter. Criteria: Invitae Variant Classification Sherloc (09022015). Collection method: clinical testing. Allele origin: germline.

Blueprint Genetics
Classification: Uncertain significance. Last evaluated: 2024-09-06. Review status: criteria provided, single submitter. Criteria: ACMG Guidelines, 2015. Collection method: clinical testing. Allele origin: germline.

Institute of Medical Genetics and Applied Genomics, University Hospital Tübingen
Classification: Uncertain significance for Usher syndrome type 2A. Last evaluated: 2024-08-22. Review status: criteria provided, single submitter. Criteria: ACMG Guidelines, 2015. Collection method: clinical testing. Allele origin: germline. Inheritance: Autosomal recessive inheritance. Affected: yes.

GeneDx
Classification: Uncertain significance. Last evaluated: 2022-06-01. Review status: criteria provided, single submitter. Criteria: GeneDx Variant Classification Process June 2021. Collection method: clinical testing. Allele origin: germline. Affected: yes.
Comment: Observed in unrelated patients with retinitis pigmentosa in published literature (Qu et al., 2020; Zhu et al., 2020); In silico analysis supports that this missense variant does not alter protein structure/function; This variant is associated with the following publications: (PMID: 34426522, 31904091, 32675063)

CeGaT Center for Human Genetics Tuebingen
Classification: Uncertain significance. Last evaluated: 2021-11-01. Review status: criteria provided, single submitter. Criteria: CeGaT Center For Human Genetics Tuebingen Variant Classification Criteria Version 2. Collection method: clinical testing. Allele origin: germline. Affected: yes. Observed: 1 variant allele.